The following is an entry in ClinVar:

ClinVar aggregate classification (germline): Uncertain significance (1 of 4 stars; one submission).

Conditions:
Kleefstra syndrome 1 (KLEFS1). Identifiers: Orphanet 261494, MedGen C0795833, MONDO:0027407, OMIM 610253.

Allele frequency attached by ClinVar (database versions not stated): gnomAD 0.00001; gnomAD exomes 0.00002; ExAC 0.00002.

Submission:

Labcorp Genetics (formerly Invitae), Labcorp
Classification: Uncertain significance for Kleefstra syndrome 1. Last evaluated: 2020-02-06. Review status: criteria provided, single submitter. Criteria: Invitae Variant Classification Sherloc (09022015). Collection method: clinical testing. Allele origin: germline.
Comment: In summary, the available evidence is currently insufficient to determine the role of this variant in disease. Therefore, it has been classified as a Variant of Uncertain Significance. Algorithms developed to predict the effect of missense changes on protein structure and function are either unavailable or do not agree on the potential impact of this missense change (SIFT: "Tolerated"; PolyPhen-2: "Probably Damaging"; Align-GVGD: "Class C0"). This variant has not been reported in the literature in individuals with EHMT1-related conditions. This variant is present in population databases (rs769157656, ExAC 0.004%). This sequence change replaces leucine with phenylalanine at codon 256 of the EHMT1 protein (p.Leu256Phe). The leucine residue is moderately conserved and there is a small physicochemical difference between leucine and phenylalanine.

NM_024757.5(EHMT1):c.766C>T (p.Leu256Phe)

Gene: EHMT1 (euchromatic histone lysine methyltransferase 1; plus strand). Cytogenetic location: 9q34.3.
Variant type: single nucleotide variant.
Coding change: c.766C>T on transcript NM_024757.5 (MANE Select); coding-DNA position 766, C replaced by T.
Protein change: p.Leu256Phe; replaces leucine 256 with phenylalanine.
Molecular consequence: missense variant.
Genome position (GRCh38, 1-based): chr9:137,728,472, C>T. VCF-style: chr9-137728472-C-T. GRCh37 (hg19) VCF-style: chr9-140622924-C-T.
Other names: c.766C>T, p.Leu256Phe (NM_001145527.2, NM_001354263.2, NM_001354611.2); c.673C>T, p.Leu225Phe (NM_001354259.2, NM_001354612.2); short protein forms L225F, L256F.
Identifiers: ClinVar variation 1026257 (VCV001026257.10), dbSNP rs769157656, ClinGen allele CA5374403.